The following is an entry in ClinVar:

ClinVar aggregate classification (germline): Uncertain significance (1 of 4 stars; one submission).

Conditions:
Inborn genetic diseases. Identifiers: MedGen C0950123, MeSH D030342.

gnomAD v4.1: 4 of 1,611,738 alleles (0.00025%); highest among the groups gnomAD compares: Non-Finnish European, 0.00034%; no homozygotes.

Submission:

Ambry Genetics
Classification: Uncertain significance for Inborn genetic diseases. Last evaluated: 2026-06-23. Review status: criteria provided, single submitter. Criteria: Ambry Variant Classification Scheme 2023. Collection method: clinical testing. Allele origin: germline.
Comment: The c.6196G>A (p.D2066N) alteration is located in exon 30 (coding exon 30) of the KMT2D gene. This alteration results from a G to A substitution at nucleotide position 6196, causing the aspartic acid (D) at amino acid position 2066 to be replaced by an asparagine (N). Based on data from gnomAD, the A allele has an overall frequency of 0.003% (1/31344) total alleles studied. The highest observed frequency was 0.007% (1/15406) of European (non-Finnish) alleles. Based on insufficient or conflicting evidence, the clinical significance of this alteration remains unclear.

NM_003482.4(KMT2D):c.6196G>A (p.Asp2066Asn)

Gene: KMT2D (lysine methyltransferase 2D; minus strand). Cytogenetic location: 12q13.12.
Variant type: single nucleotide variant.
Coding change: c.6196G>A on transcript NM_003482.4 (MANE Select); coding-DNA position 6196, G replaced by A.
Protein change: p.Asp2066Asn; replaces aspartic acid 2066 with asparagine.
Molecular consequence: missense variant.
Genome position (GRCh38, 1-based): chr12:49,041,693, C>T on the plus strand (G>A on the coding strand, the complement: KMT2D is on the minus strand). VCF-style: chr12-49041693-C-T. GRCh37 (hg19) VCF-style: chr12-49435476-C-T.
Other names: short protein forms D2066N.
Identifiers: ClinVar variation 5023383 (VCV005023383.1).